The following is an entry in ClinVar:

ClinVar aggregate classification (germline): Benign. Review status: criteria provided, multiple submitters, no conflicts (2 of 4 stars). 3 submissions from 3 submitters: Benign (3). Last evaluated 2024-01-24.

Allele frequency attached by ClinVar (database versions not stated): TOPMed 0.39055; 1000 Genomes Project 30x 0.39147; 1000 Genomes Project 0.39816.

Submissions (7):

Unidad de Genómica Garrahan, Hospital de Pediatría Garrahan
Classification: Benign. Last evaluated: 2024-01-24. Review status: criteria provided, single submitter. Criteria: ACMG Guidelines, 2015. Collection method: clinical testing. Allele origin: germline. Affected: no. Observed: 64 variant alleles.
Comment: This variant is classified as Benign based on local population frequency. This variant was detected in 67% of patients studied by a panel of primary immunodeficiencies. Number of patients: 64. Only high quality variants are reported.

GeneDx
Classification: Benign. Last evaluated: 2021-06-19. Review status: criteria provided, single submitter. Criteria: GeneDx Variant Classification Process June 2021. Collection method: clinical testing. Allele origin: germline. Affected: yes.

Breakthrough Genomics
Classification: Benign. Review status: criteria provided, single submitter. Criteria: ACMG Guidelines, 2015. Collection method: not provided. Allele origin: germline. Inheritance: Autosomal recessive inheritance. Affected: yes.

Dr. Peter K. Rogan Lab, Western University
No classification provided (evidence only). Condition: Malignant lymphoma, large B-cell, diffuse. Review status: no classification provided. Collection method: in vitro. Allele origin: not applicable. Functional consequence: retained intron. Not counted in ClinVar's aggregate classification.

Dr. Peter K. Rogan Lab, Western University
No classification provided (evidence only). Condition: Malignant lymphoma, large B-cell, diffuse. Review status: no classification provided. Collection method: in vitro. Allele origin: not applicable. Functional consequence: retained intron. Not counted in ClinVar's aggregate classification.

Dr. Peter K. Rogan Lab, Western University
No classification provided (evidence only). Condition: Hepatocellular carcinoma. Review status: no classification provided. Collection method: in vitro. Allele origin: not applicable. Functional consequence: retained intron. Not counted in ClinVar's aggregate classification.

Dr. Peter K. Rogan Lab, Western University
No classification provided (evidence only). Condition: Uveal melanoma. Review status: no classification provided. Collection method: in vitro. Allele origin: not applicable. Functional consequence: retained intron. Not counted in ClinVar's aggregate classification.

NM_001556.3(IKBKB):c.-18-96A>T

Gene: IKBKB (inhibitor of nuclear factor kappa B kinase subunit beta; plus strand). Cytogenetic location: 8p11.21.
Variant type: single nucleotide variant.
Coding change: c.-18-96A>T on transcript NM_001556.3 (MANE Select); 96 bases into the intron before 18 bases upstream of the start codon, A replaced by T.
Molecular consequence: intron variant.
Genome position (GRCh38, 1-based): chr8:42,271,987, A>T. VCF-style: chr8-42271987-A-T. GRCh37 (hg19) VCF-style: chr8-42129505-A-T.
Other names: NC_000008.10:g.42129505A>T; c.-100-96A>T (NM_001242778.2); c.-88+518A>T (NM_001190720.3).
Identifiers: ClinVar variation 1266286 (VCV001266286.6), dbSNP rs3747811, ClinGen allele CA15538264.
Genomic context (GRCh38, chr8:42,271,987, plus strand): 5'-CAACCAAACACATTGGTTTCTTTACAAAATAAAAAACCAGTTGTATTTTTCTTCTCTCCC[A>T]TTCAAGAGCAGTGGTATCTCTTGCCTTCTCCATCCCTTTGAGCTCCATTTTTTTCTTAAT-3'